The following is an entry in ClinVar:

ClinVar aggregate classification (germline): Uncertain significance (1 of 4 stars; one submission).

Conditions:
Hereditary pheochromocytoma and paraganglioma. Also called: Hereditary pheochromocytoma-paraganglioma; Hereditary Paraganglioma-Pheochromocytoma Syndromes; Hereditary paragangliomas and pheochromocytomas. Identifiers: Orphanet 29072, MedGen C4274332, MONDO:0017366.

Submission:

All of Us Research Program, National Institutes of Health
Classification: Uncertain significance for Hereditary pheochromocytoma and paraganglioma. Last evaluated: 2023-05-04. Review status: criteria provided, single submitter. Criteria: ACMG Guidelines, 2015. Collection method: clinical testing. Allele origin: germline. Inheritance: Autosomal dominant inheritance. Observed: 1 variant allele, 1 heterozygote.
Comment: This variant is located in the SDHAF2 protein. To our knowledge, functional studies have not been reported for this variant. This variant has not been reported in individuals affected with SDHAF2-related disorders in the literature. This variant has not been identified in the general population by the Genome Aggregation Database (gnomAD). The available evidence is insufficient to determine the role of this variant in disease conclusively. Therefore, this variant is classified as a Variant of Uncertain Significance.

This study involves interpretation of variants in research participants for the purpose of population health screening. Participant phenotype was not available at the time of variant classification. Additional details can be found in publication PMID: 35346344, PMCID: PMC8962531

NM_017841.4(SDHAF2):c.18G>T (p.Val6=)

Gene: SDHAF2 (succinate dehydrogenase complex assembly factor 2; plus strand). Cytogenetic location: 11q12.2.
Variant type: single nucleotide variant.
Coding change: c.18G>T on transcript NM_017841.4 (MANE Select); coding-DNA position 18, G replaced by T.
Protein change: p.Val6=; no amino-acid change (valine 6 retained).
Molecular consequence: synonymous variant.
Genome position (GRCh38, 1-based): chr11:61,430,164, G>T. VCF-style: chr11-61430164-G-T. GRCh37 (hg19) VCF-style: chr11-61197636-G-T.
Identifiers: ClinVar variation 3070907 (VCV003070907.1), dbSNP rs1590759621, ClinGen allele CA474519169.